The following is an entry in ClinVar:

ClinVar aggregate classification (germline): Uncertain significance. Review status: criteria provided, multiple submitters, no conflicts (2 of 4 stars). 2 submissions from 2 submitters: Uncertain significance (2). Last evaluated 2022-08-03.

Conditions:
Norman-Roberts syndrome (LIS2). Also called: Lissencephaly 2 (Norman-Roberts type). Identifiers: Orphanet 89844, MedGen C0796089, MONDO:0009760, OMIM 257320.
Familial temporal lobe epilepsy 7. Identifiers: Orphanet 101046, MedGen C4225327, MONDO:0014639, OMIM 616436.

Allele frequency attached by ClinVar (database versions not stated): TOPMed 0.00001.
gnomAD v4.1: 1 of 1,613,988 alleles (0.000062%); highest among the groups gnomAD compares: Non-Finnish European, 0.000085%; no homozygotes.

Submissions (2):

Labcorp Genetics (formerly Invitae), Labcorp
Classification: Uncertain significance for Familial temporal lobe epilepsy 7; Norman-Roberts syndrome. Last evaluated: 2022-08-03. Review status: criteria provided, single submitter. Criteria: Invitae Variant Classification Sherloc (09022015). Collection method: clinical testing. Allele origin: germline.
Comment: This sequence change replaces valine, which is neutral and non-polar, with leucine, which is neutral and non-polar, at codon 1628 of the RELN protein (p.Val1628Leu). This variant is not present in population databases (gnomAD no frequency). This variant has not been reported in the literature in individuals affected with RELN-related conditions. ClinVar contains an entry for this variant (Variation ID: 560680). Algorithms developed to predict the effect of missense changes on protein structure and function are either unavailable or do not agree on the potential impact of this missense change (SIFT: "Deleterious"; PolyPhen-2: "Probably Damaging"; Align-GVGD: "Class C0"). In summary, the available evidence is currently insufficient to determine the role of this variant in disease. Therefore, it has been classified as a Variant of Uncertain Significance.

MVZ Martinsried, Medicover Genetics
Classification: Uncertain significance for Familial temporal lobe epilepsy 7. Last evaluated: 2018-04-27. Review status: criteria provided, single submitter. Criteria: ACMG Guidelines, 2015. Collection method: clinical testing. Allele origin: paternal. Affected: yes.

NM_005045.4(RELN):c.4882G>C (p.Val1628Leu)

Gene: RELN (reelin; minus strand). Cytogenetic location: 7q22.1.
Variant type: single nucleotide variant.
Coding change: c.4882G>C on transcript NM_005045.4 (MANE Select); coding-DNA position 4882, G replaced by C.
Protein change: p.Val1628Leu; replaces valine 1628 with leucine.
Molecular consequence: missense variant.
Genome position (GRCh38, 1-based): chr7:103,566,278, C>G on the plus strand (G>C on the coding strand, the complement: RELN is on the minus strand). VCF-style: chr7-103566278-C-G. GRCh37 (hg19) VCF-style: chr7-103206725-C-G.
Other names: c.4882G>C, p.Val1628Leu (NM_173054.3); short protein forms V1628L.
Identifiers: ClinVar variation 560680 (VCV000560680.6), dbSNP rs1436133395, ClinGen allele CA368747853.
Genomic context (GRCh38, chr7:103,566,278, plus strand): 5'-ATATACCTATGTTTTCAGTGAATATCAGAGCAGTATCCATAGAGAGACAGTCAATATCAA[C>G]TTGACCTCCTTGGATTCGATACCAGTTGGCTTGCAAATCTATAGAGCCATCAAATTTGTC-3'
Protein context (NP_005036.2, residues 1618-1638): ANWYRIQGGQ[Val1628Leu]DIDCLSMDTA